The following is an entry in ClinVar:

NM_001164508.2(NEB):c.7016A>G (p.Lys2339Arg)

Gene: NEB (nebulin; minus strand). Cytogenetic location: 2q23.3.
Variant type: single nucleotide variant.
Coding change: c.7016A>G on transcript NM_001164508.2 (MANE Select); coding-DNA position 7016, A replaced by G.
Protein change: p.Lys2339Arg; replaces lysine 2339 with arginine.
Molecular consequence: missense variant.
Genome position (GRCh38, 1-based): chr2:151,650,785, T>C on the plus strand (A>G on the coding strand, the complement: NEB is on the minus strand). VCF-style: chr2-151650785-T-C. GRCh37 (hg19) VCF-style: chr2-152507299-T-C.
Other names: c.7016A>G, p.Lys2339Arg (NM_001164507.2, NM_001271208.2, NM_004543.5); short protein forms K2339R.
Identifiers: ClinVar variation 894064 (VCV000894064.5), dbSNP rs1452924362, ClinGen allele CA348790605.
Genomic context (GRCh38, chr2:151,650,785, plus strand): 5'-CTGGAGAACTTAGTTTTCCACTTCTCAAAGTCCTTCTTGTATTCTCTTTCACTCTGCATT[T>C]TGGCTACATTCATGGACAACACAAGTTTTGGGTCATCTTGCAGACTCCGGAATCCAACAT-3'
Protein context (NP_001157980.2, residues 2329-2349): PKLVLSMNVA[Lys2339Arg]MQSEREYKKD

ClinVar aggregate classification (germline): Uncertain significance. Review status: criteria provided, multiple submitters, no conflicts (2 of 4 stars). 2 submissions from 2 submitters: Uncertain significance (2). Last evaluated 2022-08-19.

Conditions:
Nemaline myopathy 2 (NEM2). Also called: Nemaline myopathy 2, autosomal recessive. Identifiers: MedGen C1850569, MONDO:0009725, OMIM 256030.

Allele frequency attached by ClinVar (database versions not stated): gnomAD 0.00001; TOPMed 0.00001; gnomAD exomes 0.00002.
gnomAD v4.1: 51 of 1,613,862 alleles (0.0032%); highest among the groups gnomAD compares: Non-Finnish European, 0.0037%; no homozygotes.

Submissions (2):

Labcorp Genetics (formerly Invitae), Labcorp
Classification: Uncertain significance for Nemaline myopathy 2. Last evaluated: 2022-08-19. Review status: criteria provided, single submitter. Criteria: Invitae Variant Classification Sherloc (09022015). Collection method: clinical testing. Allele origin: germline.
Comment: This sequence change replaces lysine, which is basic and polar, with arginine, which is basic and polar, at codon 2339 of the NEB protein (p.Lys2339Arg). This variant is present in population databases (no rsID available, gnomAD 0.004%). This variant has not been reported in the literature in individuals affected with NEB-related conditions. ClinVar contains an entry for this variant (Variation ID: 894064). Algorithms developed to predict the effect of missense changes on protein structure and function are either unavailable or do not agree on the potential impact of this missense change (SIFT: "Deleterious"; PolyPhen-2: "Not Available"; Align-GVGD: "Class C0"). In summary, the available evidence is currently insufficient to determine the role of this variant in disease. Therefore, it has been classified as a Variant of Uncertain Significance.

Illumina Laboratory Services, Illumina
Classification: Uncertain significance for Nemaline myopathy 2. Last evaluated: 2018-01-13. Review status: criteria provided, single submitter. Criteria: ICSL Variant Classification Criteria 13 December 2019. Collection method: clinical testing. Allele origin: germline.